The following is an entry in ClinVar:

NM_000388.4(CASR):c.2297_2298dup (p.Glu767fs)

Gene: CASR (calcium sensing receptor; plus strand). Cytogenetic location: 3q21.1.
Variant type: Duplication.
Coding change: c.2297_2298dup on transcript NM_000388.4 (MANE Select); coding-DNA positions 2297 to 2298, 2 bases duplicated (AC; older notation c.2297_2298dupAC).
Protein change: p.Glu767fs; shifts the reading frame from glutamic acid 767.
Molecular consequence: frameshift variant.
Genome position (GRCh38, 1-based): chr3:122,284,251-122,284,252, AC duplicated; duplicating any 2 consecutive bases within chr3:122,284,250-122,284,252 gives the same sequence; the c. name uses the placement nearest the transcript's 3' end. VCF-style (leftmost placement, unchanged base first): chr3-122284249-C-CCA. GRCh37 (hg19) VCF-style: chr3-122003096-C-CCA.
Other names: c.2327_2328dup, p.Glu777fs (NM_001178065.2); short protein forms E767fs, E777fs.
Identifiers: ClinVar variation 1068229 (VCV001068229.9), dbSNP rs2107650280, ClinGen allele CA2499216413.

ClinVar aggregate classification (germline): Pathogenic (1 of 4 stars; one submission).

Conditions:
Familial hypocalciuric hypercalcemia (FHH). Also called: Familial benign hypercalcemia. Identifiers: Orphanet 405, MedGen C1809471, MONDO:0018458.
Autosomal dominant hypocalcemia 1 (HYPOC1). Also called: HYPOCALCEMIA, FAMILIAL. Identifiers: MedGen C3715128, MONDO:0011013, OMIM 601198.

Submission:

Labcorp Genetics (formerly Invitae), Labcorp
Classification: Pathogenic for Familial hypocalciuric hypercalcemia; Autosomal dominant hypocalcemia 1. Last evaluated: 2020-11-11. Review status: criteria provided, single submitter. Criteria: Invitae Variant Classification Sherloc (09022015). Collection method: clinical testing. Allele origin: germline.
Comment: This variant disrupts the C-terminus of the CASR protein. Other variant(s) that disrupt this region (p.Lys882fs) have been determined to be pathogenic (PMID: 7717399, 9217223, 9109436, 20374733). This suggests that variants that disrupt this region of the protein are likely to be causative of disease. For these reasons, this variant has been classified as Pathogenic. This variant has not been reported in the literature in individuals with CASR-related conditions. This variant is not present in population databases (ExAC no frequency). This sequence change creates a premature translational stop signal (p.Glu767Thrfs*11) in the CASR gene. While this is not anticipated to result in nonsense mediated decay, it is expected to disrupt the last 312 amino acid(s) of the CASR protein.

Literature cited by the submitters: PubMed 7717399; PubMed 9217223; PubMed 9109436; PubMed 20374733.